The following is an entry in ClinVar:

NM_006440.5(TXNRD2):c.562A>T (p.Thr188Ser)

Gene: TXNRD2 (thioredoxin reductase 2; minus strand). Cytogenetic location: 22q11.21.
Variant type: single nucleotide variant.
Coding change: c.562A>T on transcript NM_006440.5 (MANE Select); coding-DNA position 562, A replaced by T.
Protein change: p.Thr188Ser; replaces threonine 188 with serine.
Molecular consequence: missense variant. On other transcripts: non-coding transcript variant (1).
Genome position (GRCh38, 1-based): chr22:19,915,243, T>A on the plus strand (A>T on the coding strand, the complement: TXNRD2 is on the minus strand). VCF-style: chr22-19915243-T-A. GRCh37 (hg19) VCF-style: chr22-19902766-T-A.
Other names: c.562A>T, p.Thr188Ser (NM_001282512.3); c.559A>T, p.Thr187Ser (NM_001352300.2); c.472A>T, p.Thr158Ser (NM_001352301.2); c.274A>T, p.Thr92Ser (NM_001352302.2); c.466A>T, p.Thr156Ser (NM_001352303.2); short protein forms T156S, T158S, T187S, T188S, T92S.
Identifiers: ClinVar variation 1321056 (VCV001321056.2), dbSNP rs374133688, ClinGen allele CA410692473.

ClinVar aggregate classification (germline): Uncertain significance (1 of 4 stars; one submission).

Submission:

GeneDx
Classification: Uncertain significance. Last evaluated: 2019-04-05. Review status: criteria provided, single submitter. Criteria: GeneDx Variant Classification Process June 2021. Collection method: clinical testing. Allele origin: germline. Affected: yes.
Comment: Has not been previously published as pathogenic or benign to our knowledge; Not observed in large population cohorts (Lek et al., 2016); In silico analysis, which includes protein predictors and evolutionary conservation, supports a deleterious effect